The following is an entry in ClinVar:

NM_032482.3(DOT1L):c.4606+720G>A

Gene: DOT1L (DOT1 like histone lysine methyltransferase; plus strand). Cytogenetic location: 19p13.3.
Variant type: single nucleotide variant.
Coding change: c.4606+720G>A on transcript NM_032482.3 (MANE Select); 720 bases into the intron after coding-DNA position 4606, G replaced by A.
Molecular consequence: intron variant. On other transcripts: missense variant (1).
Genome position (GRCh38, 1-based): chr19:2,227,847, G>A. VCF-style: chr19-2227847-G-A. GRCh37 (hg19) VCF-style: chr19-2227846-G-A.
Other names: c.4717G>A, p.Ala1573Thr (NM_001411141.1); short protein forms A1573T.
Identifiers: ClinVar variation 4084203 (VCV004084203.8).

ClinVar aggregate classification (germline): Likely benign (1 of 4 stars; one submission).

gnomAD v4.1: 77 of 1,287,922 alleles (0.006%); highest among the groups gnomAD compares: Non-Finnish European, 0.0075%; no homozygotes.

Submission:

CeGaT Center for Human Genetics Tuebingen
Classification: Likely benign. Last evaluated: 2025-08-01. Review status: criteria provided, single submitter. Criteria: CeGaT Center For Human Genetics Tuebingen Variant Classification Criteria Version 2. Collection method: clinical testing. Allele origin: germline. Affected: yes. Observed: 1 variant allele.
Comment: DOT1L: BP4, BS2